The following is an entry in ClinVar:

ClinVar aggregate classification (germline): Pathogenic/Likely pathogenic. Review status: criteria provided, multiple submitters, no conflicts (2 of 4 stars). 4 submissions from 4 submitters: Pathogenic (3); Likely pathogenic (1). Last evaluated 2026-08-20.

Conditions:
BRIP1-related disorder. Also called: BRIP1-related disorders; BRIP1-related condition. Identifiers: MedGen CN239206.
Hereditary cancer-predisposing syndrome. Also called: Hereditary Cancer Syndrome; Neoplastic Syndromes, Hereditary; Hereditary neoplastic syndrome; Tumor predisposition. Identifiers: Orphanet 140162, MedGen C0027672, MeSH D009386, MONDO:0015356.
Familial cancer of breast. Also called: hereditary breast carcinoma; Hereditary breast cancer; BREAST CANCER, FAMILIAL. Identifiers: Orphanet 227535, MedGen C0346153, MONDO:0016419, OMIM 114480. Disease mechanism: loss of function.
Fanconi anemia complementation group J. Also called: BRIP1-Related Fanconi Anemia. Identifiers: Orphanet 84, MedGen C1836860, MONDO:0012187, OMIM 609054.

Allele frequency attached by ClinVar (database versions not stated): gnomAD exomes below 0.00001.
gnomAD v4.1: 1 of 1,614,008 alleles (0.000062%); highest among the groups gnomAD compares: Non-Finnish European, 0.000085%; no homozygotes.

Submissions (4):

Ambry Genetics
Classification: Pathogenic for Hereditary cancer-predisposing syndrome. Last evaluated: 2026-08-20. Review status: criteria provided, single submitter. Criteria: Ambry Variant Classification Scheme 2023. Collection method: clinical testing. Allele origin: germline.
Comment: The p.Q360* pathogenic mutation (also known as c.1078C>T), located in coding exon 7 of the BRIP1 gene, results from a C to T substitution at nucleotide position 1078. This changes the amino acid from a glutamine to a stop codon within coding exon 7. This variant is considered to be rare based on population cohorts in the Genome Aggregation Database (gnomAD). This alteration is expected to result in loss of function by premature protein truncation or nonsense-mediated mRNA decay. As such, this alteration is interpreted as a disease-causing mutation.

Baylor Genetics
Classification: Pathogenic for Familial cancer of breast. Last evaluated: 2023-07-26. Review status: criteria provided, single submitter. Criteria: ACMG Guidelines, 2015. Collection method: clinical testing. Allele origin: unknown.

Labcorp Genetics (formerly Invitae), Labcorp
Classification: Pathogenic for Familial cancer of breast; Fanconi anemia complementation group J. Last evaluated: 2023-07-17. Review status: criteria provided, single submitter. Criteria: Invitae Variant Classification Sherloc (09022015). Collection method: clinical testing. Allele origin: germline.
Comment: This sequence change creates a premature translational stop signal (p.Gln360*) in the BRIP1 gene. It is expected to result in an absent or disrupted protein product. Loss-of-function variants in BRIP1 are known to be pathogenic (PMID: 16116423, 17033622, 21964575). This variant is not present in population databases (gnomAD no frequency). This variant has not been reported in the literature in individuals affected with BRIP1-related conditions. ClinVar contains an entry for this variant (Variation ID: 1415541). Algorithms developed to predict the effect of sequence changes on RNA splicing suggest that this variant may disrupt the consensus splice site. For these reasons, this variant has been classified as Pathogenic.

Blueprint Genetics
Classification: Likely pathogenic for BRIP1-related disorders. Last evaluated: 2021-02-17. Review status: criteria provided, single submitter. Criteria: ACMG Guidelines, 2015. Collection method: clinical testing. Allele origin: germline. Affected: yes. Observed: 1 variant allele.

Literature cited by the submitters: PubMed 16116423 (cited by Labcorp Genetics (formerly Invitae), Labcorp); PubMed 17033622 (cited by Labcorp Genetics (formerly Invitae), Labcorp); PubMed 21964575 (cited by Labcorp Genetics (formerly Invitae), Labcorp).

NM_032043.3(BRIP1):c.1078C>T (p.Gln360Ter)

Gene: BRIP1 (BRCA1 interacting DNA helicase 1; minus strand). Cytogenetic location: 17q23.2.
Variant type: single nucleotide variant.
Coding change: c.1078C>T on transcript NM_032043.3 (MANE Select); coding-DNA position 1078, C replaced by T.
Protein change: p.Gln360Ter; replaces glutamine 360 with a stop codon.
Molecular consequence: nonsense.
Genome position (GRCh38, 1-based): chr17:61,801,315, G>A on the plus strand (C>T on the coding strand, the complement: BRIP1 is on the minus strand). VCF-style: chr17-61801315-G-A. GRCh37 (hg19) VCF-style: chr17-59878676-G-A.
Other names: c.1078C>T (NM_032043.2); short protein forms Q360*.
Identifiers: ClinVar variation 1415541 (VCV001415541.10), dbSNP rs2145334576, ClinGen allele CA400483982.
Genomic context (GRCh38, chr17:61,801,315, plus strand): 5'-TTTCCCTTATTTGTGCATCTAGAAGATAGTTGTAGGGACAAAATATGATGTCAGCATCTT[G>A]TATTAGTTCTCGGGCTGTGTAATATGGACAGGCCTTTAGTTTCTTCCCCAGGCTGACAAG-3'